The following is an entry in ClinVar:

ClinVar aggregate classification (germline): Pathogenic. Review status: reviewed by expert panel (3 of 4 stars). 4 submissions from 4 submitters: Pathogenic (1). 3 of the submissions do not count toward it. Last evaluated 2017-12-15.

Conditions:
Hereditary breast ovarian cancer syndrome. Also called: Hereditary breast and ovarian cancer syndrome (HBOC); BRCA1- and BRCA2-Associated Hereditary Breast and Ovarian Cancer; Hereditary breast and/or ovarian cancer syndrome; Hereditary breast and ovarian cancer syndrome; Hereditary breast and ovarian cancer; Breast and ovarian cancer. Identifiers: Orphanet 145, MedGen C0677776, MeSH D061325, MONDO:0003582. Disease mechanism: loss of function.
Hereditary cancer-predisposing syndrome. Also called: Neoplastic Syndromes, Hereditary; Hereditary neoplastic syndrome; Tumor predisposition; Hereditary Cancer Syndrome. Identifiers: Orphanet 140162, MedGen C0027672, MeSH D009386, MONDO:0015356.
Breast-ovarian cancer, familial, susceptibility to, 1 (BROVCA1). Also called: BRCA1 Hereditary Breast and Ovarian Cancer; OVARIAN CANCER, SUSCEPTIBILITY TO. Identifiers: Orphanet 145, MedGen C2676676, MONDO:0011450, OMIM 604370. Disease mechanism: loss of function.

Submissions (4):

Evidence-based Network for the Interpretation of Germline Mutant Alleles (ENIGMA)
Classification: Pathogenic for Breast-ovarian cancer, familial, susceptibility to, 1. Last evaluated: 2017-12-15. Review status: reviewed by expert panel. Criteria: ENIGMA BRCA1/2 Classification Criteria (2017-06-29). Collection method: curation. Allele origin: germline. Study: ENIGMA.
Comment: Variant allele predicted to encode a truncated non-functional protein.

Labcorp Genetics (formerly Invitae), Labcorp
Classification: Pathogenic for Hereditary breast ovarian cancer syndrome. Last evaluated: 2024-01-02. Review status: criteria provided, single submitter. Criteria: Invitae Variant Classification Sherloc (09022015). Collection method: clinical testing. Allele origin: germline. Not counted in ClinVar's aggregate classification.
Comment: This sequence change creates a premature translational stop signal (p.Ile1031Asnfs*2) in the BRCA1 gene. It is expected to result in an absent or disrupted protein product. Loss-of-function variants in BRCA1 are known to be pathogenic (PMID: 20104584). This variant is not present in population databases (gnomAD no frequency). This variant has not been reported in the literature in individuals affected with BRCA1-related conditions. ClinVar contains an entry for this variant (Variation ID: 421801). For these reasons, this variant has been classified as Pathogenic.

Ambry Genetics
Classification: Pathogenic for Hereditary cancer-predisposing syndrome. Last evaluated: 2023-10-27. Review status: criteria provided, single submitter. Criteria: Ambry Variant Classification Scheme 2023. Collection method: clinical testing. Allele origin: germline. Not counted in ClinVar's aggregate classification.
Comment: The c.3091dupA pathogenic mutation, located in coding exon 9 of the BRCA1 gene, results from a duplication of A at nucleotide position 3091, causing a translational frameshift with a predicted alternate stop codon (p.I1031Nfs*2). This variant is considered to be rare based on population cohorts in the Genome Aggregation Database (gnomAD). This alteration is expected to result in loss of function by premature protein truncation or nonsense-mediated mRNA decay. As such, this alteration is interpreted as a disease-causing mutation.

GeneDx
Classification: Pathogenic. Last evaluated: 2016-07-25. Review status: criteria provided, single submitter. Criteria: GeneDx Variant Classification (06012015). Collection method: clinical testing. Allele origin: germline. Affected: yes. Not counted in ClinVar's aggregate classification.
Comment: This duplication of one nucleotide in BRCA1 is denoted c.3091dupA at the cDNA level and p.Ile1031AsnfsX2 (I1031NfsX2) at the protein level. The normal sequence, with the base that is duplicated in braces, is TAAC[A]TTAG. The duplication causes a frameshift which changes an Isoleucine to an Asparagine at codon 1031, and creates a premature stop codon at position 2 of the new reading frame. Using alternate nomenclature, this variant would be defined as BRCA1 3210dupA. Although this variant has not, to our knowledge, been reported in the literature, it is predicted to cause loss of normal protein function through either protein truncation or nonsense-mediated mRNA decay. We consider this variant to be pathogenic.

Literature cited by the submitters: PubMed 20104584 (cited by Labcorp Genetics (formerly Invitae), Labcorp).

NM_007294.4(BRCA1):c.3091dup (p.Ile1031fs)

Gene: BRCA1 (BRCA1 DNA repair associated; minus strand). Cytogenetic location: 17q21.31.
Variant type: Duplication.
Coding change: c.3091dup on transcript NM_007294.4 (MANE Select); coding-DNA position 3091, one base duplicated (A; older notation c.3091dupA).
Protein change: p.Ile1031fs; shifts the reading frame from isoleucine 1031.
Molecular consequence: frameshift variant. On other transcripts: intron variant (137).
Genome position (GRCh38, 1-based): chr17:43,092,440, T duplicated on the plus strand (A on the coding strand, the reverse complement: BRCA1 is on the minus strand). VCF-style (leftmost placement, unchanged base first): chr17-43092439-A-AT. GRCh37 (hg19) VCF-style: chr17-41244456-A-AT.
Other names: c.3091dupA (NM_007294.3); c.2878dup, p.Ile960fs (NM_001407571.1, NM_001407853.1, NM_001407894.1 and 9 more transcripts); c.3091dup, p.Ile1031fs (NM_001407581.1, NM_001407582.1, NM_001407583.1 and 30 more transcripts); c.3088dup, p.Ile1030fs (NM_001407587.1, NM_001407590.1, NM_001407591.1 and 22 more transcripts); c.3082dup, p.Ile1028fs (NM_001407646.1, NM_001407647.1); c.2968dup, p.Ile990fs (NM_001407648.1, NM_001407664.1, NM_001407665.1 and 19 more transcripts); c.2965dup, p.Ile989fs (NM_001407649.1, NM_001407670.1, NM_001407671.1 and 11 more transcripts); c.3013dup, p.Ile1005fs (NM_001407653.1, NM_001407654.1, NM_001407655.1 and 4 more transcripts); and 42 more; short protein forms I1031fs, I984fs, I863fs, I903fs, I920fs, I989fs, I990fs, I1004fs.
Identifiers: ClinVar variation 421801 (VCV000421801.12), dbSNP rs1555588399, ClinGen allele CA16620431.